The following is an entry in ClinVar:

ClinVar aggregate classification (germline): Conflicting classifications of pathogenicity. Review status: criteria provided, conflicting classifications (1 of 4 stars). 5 submissions from 5 submitters: Uncertain significance (1); Likely benign (3). 1 of the submissions does not count toward it. Last evaluated 2025-12-25.

Conditions:
Charcot-Marie-Tooth disease type 4D. Also called: Charcot-Marie-Tooth Neuropathy Type 4D; CHARCOT-MARIE-TOOTH DISEASE, DEMYELINATING, AUTOSOMAL RECESSIVE, TYPE 4D; CHARCOT-MARIE-TOOTH DISEASE, DEMYELINATING, TYPE 4D; NEUROPATHY, HEREDITARY MOTOR AND SENSORY, LOM TYPE. Identifiers: Orphanet 99950, MedGen C1832334, MONDO:0011085, OMIM 601455.
Charcot-Marie-Tooth disease type 4. Also called: Charcot-Marie-Tooth disease, type IV; Charcot-Marie-Tooth, Type 4. Identifiers: Orphanet 64749, MedGen C4082197, MONDO:0018995.
NDRG1-related disorder. Also called: NDRG1-related condition.

Allele frequency attached by ClinVar (database versions not stated): 1000 Genomes Project below 0.00001; gnomAD 0.00013; TOPMed 0.00013.
gnomAD v4.1: 165 of 1,614,112 alleles (0.01%); highest among the groups gnomAD compares: African/African-American, 0.039%; 1 homozygote.

Submissions (5):

Labcorp Genetics (formerly Invitae), Labcorp
Classification: Likely benign for Charcot-Marie-Tooth disease type 4. Last evaluated: 2025-12-25. Review status: criteria provided, single submitter. Criteria: Invitae Variant Classification Sherloc (09022015). Collection method: clinical testing. Allele origin: germline.

PreventionGenetics, part of Exact Sciences
Classification: Likely benign for NDRG1-related condition. Last evaluated: 2025-06-03. Review status: criteria provided, single submitter. Criteria: ACMG Guidelines, 2015. Collection method: clinical testing. Allele origin: germline.
Comment: This variant is classified as likely benign based on ACMG/AMP sequence variant interpretation guidelines (Richards et al. 2015 PMID: 25741868, with internal and published modifications).

Athena Diagnostics
Classification: Likely benign. Last evaluated: 2020-04-29. Review status: criteria provided, single submitter. Criteria: Athena Diagnostics Criteria. Collection method: clinical testing. Allele origin: unknown.

Illumina Laboratory Services, Illumina
Classification: Uncertain significance for Charcot-Marie-Tooth disease type 4D. Last evaluated: 2018-01-12. Review status: criteria provided, single submitter. Criteria: ICSL Variant Classification Criteria 13 December 2019. Collection method: clinical testing. Allele origin: germline.

Natera, Inc.
Classification: Uncertain significance for Charcot-Marie-Tooth disease type 4D. Last evaluated: 2020-01-24. Review status: no assertion criteria provided. Collection method: clinical testing. Allele origin: germline. Not counted in ClinVar's aggregate classification.

NM_006096.4(NDRG1):c.528C>T (p.Ala176=)

Gene: NDRG1 (N-myc downstream regulated 1; minus strand). Cytogenetic location: 8q24.22.
Variant type: single nucleotide variant.
Coding change: c.528C>T on transcript NM_006096.4 (MANE Select); coding-DNA position 528, C replaced by T.
Protein change: p.Ala176=; no amino-acid change (alanine 176 retained).
Molecular consequence: synonymous variant.
Genome position (GRCh38, 1-based): chr8:133,256,786, G>A on the plus strand (C>T on the coding strand, the complement: NDRG1 is on the minus strand). VCF-style: chr8-133256786-G-A. GRCh37 (hg19) VCF-style: chr8-134269029-G-A.
Other names: c.528C>T, p.Ala176= (NM_001135242.2, NM_001374844.1, NM_001374845.1 and 1 more transcripts); c.330C>T, p.Ala110= (NM_001258432.2, NM_001374847.1); c.285C>T, p.Ala95= (NM_001258433.2).
Identifiers: ClinVar variation 695697 (VCV000695697.19), dbSNP rs191237702, ClinGen allele CA4886723.